The following is an entry in ClinVar:

NM_152564.5(VPS13B):c.5829T>A (p.Cys1943Ter)

Gene: VPS13B (vacuolar protein sorting 13 homolog B; plus strand). Cytogenetic location: 8q22.2.
Variant type: single nucleotide variant.
Coding change: c.5829T>A on transcript NM_152564.5 (MANE Select); coding-DNA position 5829, T replaced by A.
Protein change: p.Cys1943Ter; replaces cysteine 1943 with a stop codon.
Molecular consequence: nonsense.
Genome position (GRCh38, 1-based): chr8:99,642,419, T>A. VCF-style: chr8-99642419-T-A. GRCh37 (hg19) VCF-style: chr8-100654647-T-A.
Other names: c.5904T>A, p.Cys1968Ter (NM_017890.5); short protein forms C1943*, C1968*.
Identifiers: ClinVar variation 1724480 (VCV001724480.2), dbSNP rs2491208697, ClinGen allele CA371873386.

ClinVar aggregate classification (germline): Likely pathogenic (1 of 4 stars; one submission).

Conditions:
Cohen syndrome (COH1). Also called: PEPPER SYNDROME; Cutis verticis gyrata, retinitis pigmentosa, and sensorineural deafness. Identifiers: Orphanet 193, MedGen C0265223, MONDO:0008999, OMIM 216550.

Submission:

Myriad Genetics, Inc.
Classification: Likely pathogenic for Cohen syndrome. Last evaluated: 2022-02-17. Review status: criteria provided, single submitter. Criteria: Myriad Women's Health Autosomal Recessive and X-Linked Classification Criteria (2021). Collection method: clinical testing. Allele origin: unknown.
Comment: NM_017890.4(VPS13B):c.5904T>A(C1968*) is expected to be pathogenic in the context of Cohen syndrome. This variant is predicted to lead to an abnormal or absent protein product due to the creation of a premature termination codon in VPS13B, a gene where loss-of-function variants are known to be pathogenic. Please note: this variant was assessed in the context of healthy population screening.